The following is an entry in ClinVar:

ClinVar aggregate classification (germline): Pathogenic (1 of 4 stars; one submission).

Conditions:
Neurodevelopmental disorder with nonspecific brain abnormalities and with or without seizures. Identifiers: MedGen C5231470, MONDO:0032877, OMIM 618709.

Submission:

Juno Genomics, Hangzhou Juno Genomics, Inc
Classification: Pathogenic for Neurodevelopmental disorder with nonspecific brain abnormalities and with or without seizures. Review status: criteria provided, single submitter. Criteria: ACMG Guidelines, 2015. Collection method: clinical testing. Allele origin: germline. Affected: yes.
Comment: Absent from controls (or at extremely low frequency if recessive) in Genome Aggregation Database, Exome Sequencing Project, 1000 Genomes Project, or Exome Aggregation Consortium.;Null variant in a gene where loss of function (LOF) is a known mechanism of disease.;De novo (both maternity and paternity confirmed) in a patient with the disease and no family history.

NM_005618.4(DLL1):c.883del (p.His295fs)

Gene: DLL1 (delta like canonical Notch ligand 1; minus strand). Cytogenetic location: 6q27.
Variant type: Deletion.
Coding change: c.883del on transcript NM_005618.4 (MANE Select); coding-DNA position 883, one base deleted (C; older notation c.883delC).
Protein change: p.His295fs; shifts the reading frame from histidine 295.
Molecular consequence: frameshift variant.
Genome position (GRCh38, 1-based): chr6:170,285,403, G deleted on the plus strand (C on the coding strand, the reverse complement: DLL1 is on the minus strand); the first of 2 consecutive G bases (chr6:170,285,403-170,285,404); deleting either gives the same sequence. VCF-style (leftmost placement, unchanged base first): chr6-170285402-TG-T. GRCh37 (hg19) VCF-style: chr6-170594490-TG-T.
Other names: short protein forms H295fs.
Identifiers: ClinVar variation 3382651 (VCV003382651.2).